The following is an entry in ClinVar:

NM_000355.4(TCN2):c.1056G>A (p.Gly352=)

Gene: TCN2 (transcobalamin 2; plus strand). Cytogenetic location: 22q12.2.
Variant type: single nucleotide variant.
Coding change: c.1056G>A on transcript NM_000355.4 (MANE Select); coding-DNA position 1056, G replaced by A.
Protein change: p.Gly352=; no amino-acid change (glycine 352 retained).
Molecular consequence: synonymous variant.
Genome position (GRCh38, 1-based): chr22:30,617,445, G>A. VCF-style: chr22-30617445-G-A. GRCh37 (hg19) VCF-style: chr22-31013432-G-A.
Other names: c.975G>A, p.Gly325= (NM_001184726.2).
Identifiers: ClinVar variation 712311 (VCV000712311.14), dbSNP rs370869901, ClinGen allele CA10184947.

ClinVar aggregate classification (germline): Likely benign. Review status: criteria provided, multiple submitters, no conflicts (2 of 4 stars). 3 submissions from 3 submitters: Likely benign (2). 1 of the submissions does not count toward it. Last evaluated 2026-01-26.

Conditions:
TCN2-related disorder. Also called: TCN2-related condition.
Transcobalamin II deficiency (TCN2D). Also called: TC II DEFICIENCY; TCN2 DEFICIENCY; Transcolabamin II deficiency. Identifiers: Orphanet 859, MedGen C0342701, MONDO:0010149, OMIM 275350.

Allele frequency attached by ClinVar (database versions not stated): ESP Exome Variant Server 0.00008; gnomAD 0.00009; TOPMed 0.00009; gnomAD exomes 0.00013 and 0.00014; ExAC 0.00015; 1000 Genomes Project 0.00020; 1000 Genomes Project 30x 0.00031.

Submissions (3):

Labcorp Genetics (formerly Invitae), Labcorp
Classification: Likely benign for Transcobalamin II deficiency. Last evaluated: 2026-01-26. Review status: criteria provided, single submitter. Criteria: Invitae Variant Classification Sherloc (09022015). Collection method: clinical testing. Allele origin: germline.

Blueprint Genetics
Classification: Likely benign. Last evaluated: 2023-06-16. Review status: criteria provided, single submitter. Criteria: ACMG Guidelines, 2015. Collection method: clinical testing. Allele origin: germline.

PreventionGenetics, part of Exact Sciences
Classification: Likely benign for TCN2-related condition. Last evaluated: 2024-06-20. Review status: no assertion criteria provided. Collection method: clinical testing. Allele origin: germline. Not counted in ClinVar's aggregate classification.
Comment: This variant is classified as likely benign based on ACMG/AMP sequence variant interpretation guidelines (Richards et al. 2015 PMID: 25741868, with internal and published modifications).